The following is an entry in ClinVar:

NM_032578.4(MYPN):c.1884C>G (p.Phe628Leu)

Gene: MYPN (myopalladin; plus strand). Cytogenetic location: 10q21.3.
Variant type: single nucleotide variant.
Coding change: c.1884C>G on transcript NM_032578.4 (MANE Select); coding-DNA position 1884, C replaced by G.
Protein change: p.Phe628Leu; replaces phenylalanine 628 with leucine.
Molecular consequence: missense variant. On other transcripts: non-coding transcript variant (2).
Genome position (GRCh38, 1-based): chr10:68,166,577, C>G. VCF-style: chr10-68166577-C-G. GRCh37 (hg19) VCF-style: chr10-69926334-C-G.
Other names: p.F628L:TTC>TTG; c.1884C>G, p.Phe628Leu (NM_001256267.2); c.1002C>G, p.Phe334Leu (NM_001256268.2); short protein forms F628L, F334L.
Identifiers: ClinVar variation 31804 (VCV000031804.26), dbSNP rs10823148, ClinGen allele CA200020.

ClinVar aggregate classification (germline): Benign/Likely benign. Review status: criteria provided, multiple submitters, no conflicts (2 of 4 stars). 13 submissions from 12 submitters: Benign (11); Likely benign (1). 1 of the submissions does not count toward it. Last evaluated 2026-02-04.

Conditions:
MYPN-related myopathy (CMYO24). Also called: Nemaline myopathy 11, autosomal recessive. Identifiers: MedGen C4479186, MONDO:0015023, OMIM 617336.
Cardiovascular phenotype. Identifiers: MedGen CN230736.
Dilated cardiomyopathy 1KK (CMD1KK). Identifiers: Orphanet 154, Orphanet 75249, MedGen C3714995, MONDO:0014100, OMIM 615248.

Allele frequency attached by ClinVar (database versions not stated): gnomAD exomes 0.43981 and 0.49440; 1000 Genomes Project 30x 0.31418; 1000 Genomes Project 0.31649; TOPMed 0.37158; gnomAD 0.39447 and 0.39498; ESP Exome Variant Server 0.39597; ExAC 0.43825.
gnomAD v4.1: 780,105 of 1,613,842 alleles (48%); highest among the groups gnomAD compares: Non-Finnish European, 52%; 196,299 homozygotes.

Submissions (13):

Labcorp Genetics (formerly Invitae), Labcorp
Classification: Benign for Dilated cardiomyopathy 1KK. Last evaluated: 2026-02-04. Review status: criteria provided, single submitter. Criteria: Invitae Variant Classification Sherloc (09022015). Collection method: clinical testing. Allele origin: germline.

Blueprint Genetics
Classification: Benign. Last evaluated: 2024-11-27. Review status: criteria provided, single submitter. Criteria: ACMG Guidelines, 2015. Collection method: clinical testing. Allele origin: germline.

Women's Health and Genetics/Laboratory Corporation of America, LabCorp
Classification: Likely benign. Last evaluated: 2023-04-04. Review status: criteria provided, single submitter. Criteria: LabCorp Variant Classification Summary - May 2015. Collection method: clinical testing. Allele origin: germline.

Mayo Clinic Laboratories, Mayo Clinic
Classification: Benign. Last evaluated: 2022-03-24. Review status: criteria provided, single submitter. Criteria: ACMG Guidelines, 2015. Collection method: clinical testing. Allele origin: germline. Observed: 1,012 variant alleles.

Genome-Nilou Lab
Classification: Benign for Dilated cardiomyopathy 1KK. Last evaluated: 2021-09-05. Review status: criteria provided, single submitter. Criteria: ACMG Guidelines, 2015. Collection method: clinical testing. Allele origin: germline. Affected: no.

Genome-Nilou Lab
Classification: Benign for MYPN-related myopathy. Last evaluated: 2021-09-05. Review status: criteria provided, single submitter. Criteria: ACMG Guidelines, 2015. Collection method: clinical testing. Allele origin: germline. Affected: no.

Molecular Diagnostic Laboratory for Inherited Cardiovascular Disease, Montreal Heart Institute
Classification: Benign. Last evaluated: 2016-05-13. Review status: criteria provided, single submitter. Criteria: ACMG Guidelines, 2015. Collection method: clinical testing. Allele origin: germline. Affected: yes.

Ambry Genetics
Classification: Benign for Cardiovascular phenotype. Last evaluated: 2015-06-16. Review status: criteria provided, single submitter. Criteria: Ambry Variant Classification Scheme 2023. Collection method: clinical testing. Allele origin: germline.

Laboratory for Molecular Medicine, Mass General Brigham Personalized Medicine
Classification: Benign. Last evaluated: 2014-10-29. Review status: criteria provided, single submitter. Criteria: LMM Criteria. Collection method: clinical testing. Allele origin: germline. Observed: 394 variant alleles.
Comment: p.Phe628Leu in exon 11 of MYPN: This variant is not expected to have clinical si gnificance because it has been identified in 51% (4382/8600) of European America n chromosomes by the NHLBI Exome Sequencing Project (u/EVS/; dbSNP rs10823148).

GeneDx
Classification: Benign. Last evaluated: 2013-11-13. Review status: criteria provided, single submitter. Criteria: GeneDx Variant Classification (06012015). Collection method: clinical testing. Allele origin: germline. Affected: yes.
Comment: This variant is considered likely benign or benign based on one or more of the following criteria: it is a conservative change, it occurs at a poorly conserved position in the protein, it is predicted to be benign by multiple in silico algorithms, and/or has population frequency not consistent with disease.

Biesecker Lab/Clinical Genomics Section, National Institutes of Health
Classification: Benign. Last evaluated: 2013-06-24. Review status: criteria provided, single submitter. Criteria: Ng et al. (Circ Cardiovasc Genet. 2013). Collection method: research. Allele origin: unknown. Observed: 586 variant alleles. Study: ClinSeq.
Comment: The study set was not selected for affection status in relation to any cancer. Pathogenicity categories were based on literature curation. See Pubmed ID:23861362 for details.

Medical sequencing

Breakthrough Genomics
Classification: Benign. Review status: criteria provided, single submitter. Criteria: ACMG Guidelines, 2015. Collection method: not provided. Allele origin: germline. Inheritance: Autosomal recessive inheritance. Affected: yes.

Leiden Muscular Dystrophy (MYPN)
No classification provided. Last evaluated: 2012-04-27. Review status: no classification provided. Collection method: curation. Allele origin: germline. Not counted in ClinVar's aggregate classification.

Literature cited by the submitters: PubMed 18006477 (cited by Laboratory for Molecular Medicine, Mass General Brigham Personalized Medicine); PubMed 22286171 (cited by Laboratory for Molecular Medicine, Mass General Brigham Personalized Medicine).